The following is an entry in ClinVar:

NM_014681.6(DHX34):c.1582T>C (p.Leu528=)

Gene: DHX34 (DExH-box helicase 34; plus strand). Cytogenetic location: 19q13.32.
Variant type: single nucleotide variant.
Coding change: c.1582T>C on transcript NM_014681.6 (MANE Select); coding-DNA position 1582, T replaced by C.
Protein change: p.Leu528=; no amino-acid change (leucine 528 retained).
Molecular consequence: synonymous variant.
Genome position (GRCh38, 1-based): chr19:47,362,682, T>C. VCF-style: chr19-47362682-T-C. GRCh37 (hg19) VCF-style: chr19-47865939-T-C.
Identifiers: ClinVar variation 786355 (VCV000786355.30), dbSNP rs112194942, ClinGen allele CA9538126.

ClinVar aggregate classification (germline): Benign/Likely benign. Review status: criteria provided, multiple submitters, no conflicts (2 of 4 stars). 5 submissions from 5 submitters: Benign (2); Likely benign (2). 1 of the submissions does not count toward it. Last evaluated 2024-09-13.

Conditions:
DHX34-related disorder. Also called: DHX34-related condition.

Allele frequency attached by ClinVar (database versions not stated): gnomAD exomes 0.00026 and 0.00066; ExAC 0.00084; gnomAD 0.00273 and 0.00292; TOPMed 0.00308; ESP Exome Variant Server 0.00349; 1000 Genomes Project 0.00359; 1000 Genomes Project 30x 0.00406.
gnomAD v4.1: 825 of 1,612,190 alleles (0.051%); highest among the groups gnomAD compares: African/African-American, 0.99%; 1 homozygote.

Submissions (5):

Blueprint Genetics
Classification: Likely benign. Last evaluated: 2024-09-13. Review status: criteria provided, single submitter. Criteria: ACMG Guidelines, 2015. Collection method: clinical testing. Allele origin: germline.

CeGaT Center for Human Genetics Tuebingen
Classification: Likely benign. Last evaluated: 2023-04-01. Review status: criteria provided, single submitter. Criteria: CeGaT Center For Human Genetics Tuebingen Variant Classification Criteria Version 2. Collection method: clinical testing. Allele origin: germline. Affected: yes. Observed: 2 variant alleles.
Comment: DHX34: BP4, BP7

Labcorp Genetics (formerly Invitae), Labcorp
Classification: Benign. Last evaluated: 2018-02-22. Review status: criteria provided, single submitter. Criteria: Invitae Variant Classification Sherloc (09022015). Collection method: clinical testing. Allele origin: germline.

Breakthrough Genomics
Classification: Benign. Review status: criteria provided, single submitter. Criteria: ACMG Guidelines, 2015. Collection method: not provided. Allele origin: germline. Inheritance: Unknown mechanism. Affected: yes.

PreventionGenetics, part of Exact Sciences
Classification: Benign for DHX34-related condition. Last evaluated: 2019-12-06. Review status: no assertion criteria provided. Collection method: clinical testing. Allele origin: germline. Not counted in ClinVar's aggregate classification.
Comment: This variant is classified as benign based on ACMG/AMP sequence variant interpretation guidelines (Richards et al. 2015 PMID: 25741868, with internal and published modifications).